The following is an entry in ClinVar:

ClinVar aggregate classification (germline): Uncertain significance (1 of 4 stars; one submission).

Allele frequency attached by ClinVar (database versions not stated): gnomAD exomes below 0.00001; TOPMed below 0.00001; ExAC 0.00001; gnomAD 0.00001; ESP Exome Variant Server 0.00008.
gnomAD v4.1: 2 of 1,608,536 alleles (0.00012%); highest among the groups gnomAD compares: Admixed American, 0.0017%; no homozygotes.

Submission:

GeneDx
Classification: Uncertain significance. Last evaluated: 2019-05-06. Review status: criteria provided, single submitter. Criteria: GeneDx Variant Classification Process June 2021. Collection method: clinical testing. Allele origin: germline. Affected: yes.
Comment: In silico analysis, which includes protein predictors and evolutionary conservation, supports that this variant does not alter protein structure/function; Has not been previously published as pathogenic or benign to our knowledge

NM_001371623.1(TCOF1):c.1273G>A (p.Ala425Thr)

Gene: TCOF1 (treacle ribosome biogenesis factor 1; plus strand). Cytogenetic location: 5q32.
Variant type: single nucleotide variant.
Coding change: c.1273G>A on transcript NM_001371623.1 (MANE Select); coding-DNA position 1273, G replaced by A.
Protein change: p.Ala425Thr; replaces alanine 425 with threonine.
Molecular consequence: missense variant.
Genome position (GRCh38, 1-based): chr5:150,374,806, G>A. VCF-style: chr5-150374806-G-A. GRCh37 (hg19) VCF-style: chr5-149754369-G-A.
Other names: c.1042G>A, p.Ala348Thr (NM_000356.4, NM_001135245.2); c.1273G>A, p.Ala425Thr (NM_001008657.3, NM_001135243.2, NM_001135244.2 and 1 more transcripts); short protein forms A348T, A425T.
Identifiers: ClinVar variation 1305579 (VCV001305579.2), dbSNP rs368518859, ClinGen allele CA3510805.
Genomic context (GRCh38, chr5:150,374,806, plus strand): 5'-AAGCGGGAGGAGGACTCGCAGAGCAGCAGCGAGGAATCGGACAGTGAGGAGGAGGCGCCT[G>A]CTCAGGTGAGGCAGAGGGGAGGGGTGGAGAGTAGCCCCATGCCTAAACCCCAGCACCTGC-3'
Protein context (NP_001358552.1, residues 415-435): EESDSEEEAP[Ala425Thr]QAKPSGKAPQ